The following is an entry in ClinVar:

ClinVar aggregate classification (germline): Uncertain significance. Review status: criteria provided, multiple submitters, no conflicts (2 of 4 stars). 2 submissions from 2 submitters: Uncertain significance (2). Last evaluated 2026-07-23.

Conditions:
Congenital contractural arachnodactyly (CCA). Also called: BEALS SYNDROME; Arthrogryposis, distal, type 9; Beals-Hecht syndrome. Identifiers: Orphanet 115, MedGen C0220668, MONDO:0007363, OMIM 121050.
Familial thoracic aortic aneurysm and aortic dissection (TAAD). Also called: Thoracic aortic aneurysms and dissections. Identifiers: Orphanet 91387, MedGen C4707243, MONDO:0019625.

gnomAD v4.1: 1 of 1,614,072 alleles (0.000062%); highest among the groups gnomAD compares: Non-Finnish European, 0.000085%; no homozygotes.

Submissions (2):

Ambry Genetics
Classification: Uncertain significance for Familial thoracic aortic aneurysm and aortic dissection. Last evaluated: 2026-07-23. Review status: criteria provided, single submitter. Criteria: Ambry Variant Classification Scheme 2023. Collection method: clinical testing. Allele origin: germline.

Labcorp Genetics (formerly Invitae), Labcorp
Classification: Uncertain significance for Congenital contractural arachnodactyly. Last evaluated: 2020-09-23. Review status: criteria provided, single submitter. Criteria: Invitae Variant Classification Sherloc (09022015). Collection method: clinical testing. Allele origin: germline.
Comment: Advanced modeling of protein sequence and biophysical properties (such as structural, functional, and spatial information, amino acid conservation, physicochemical variation, residue mobility, and thermodynamic stability) performed at Invitae indicates that this missense variant is expected to disrupt FBN2 protein function. This variant has not been reported in the literature in individuals with FBN2-related conditions. ClinVar contains an entry for this variant (Variation ID: 222627). This variant is not present in population databases (ExAC no frequency). This sequence change replaces arginine with cysteine at codon 1054 of the FBN2 protein (p.Arg1054Cys). The arginine residue is moderately conserved and there is a large physicochemical difference between arginine and cysteine. In summary, the available evidence is currently insufficient to determine the role of this variant in disease. Therefore, it has been classified as a Variant of Uncertain Significance.

NM_001999.4(FBN2):c.3160C>T (p.Arg1054Cys)

Genes: FBN2 (fibrillin 2; minus strand), LOC126807501 (BRD4-independent group 4 enhancer GRCh37_chr5:127680731-127681930; plus strand). Cytogenetic location: 5q23.3.
Variant type: single nucleotide variant.
Coding change: c.3160C>T on transcript NM_001999.4 (MANE Select); coding-DNA position 3160, C replaced by T.
Protein change: p.Arg1054Cys; replaces arginine 1054 with cysteine.
Molecular consequence: missense variant.
Genome position (GRCh38, 1-based): chr5:128,345,414, G>A on the plus strand (C>T on the coding strand, the complement: FBN2 is on the minus strand). VCF-style: chr5-128345414-G-A. GRCh37 (hg19) VCF-style: chr5-127681106-G-A.
Other names: short protein forms R1054C.
Identifiers: ClinVar variation 222627 (VCV000222627.11), dbSNP rs869025427, ClinGen allele CA351974.
Genomic context (GRCh38, chr5:128,345,414, plus strand): 5'-TACCTTTGTAAAATGGCCGCCCAGTAAGAACATCCCCTCGGTTAGCAAAGCCAGCCCCGC[G>A]GGGGCACAGCGTCTCGTATTCCTTGGTGCCAGGTTTGGGGCACTCCTCACACTCGGTGCC-3'
Protein context (NP_001990.2, residues 1044-1064): GTKEYETLCP[Arg1054Cys]GAGFANRGDV